The following is an entry in ClinVar:

NM_022167.4(XYLT2):c.1979G>A (p.Arg660Gln)

Gene: XYLT2 (xylosyltransferase 2; plus strand). Cytogenetic location: 17q21.33.
Variant type: single nucleotide variant.
Coding change: c.1979G>A on transcript NM_022167.4 (MANE Select); coding-DNA position 1979, G replaced by A.
Protein change: p.Arg660Gln; replaces arginine 660 with glutamine.
Molecular consequence: missense variant.
Genome position (GRCh38, 1-based): chr17:50,358,244, G>A. VCF-style: chr17-50358244-G-A. GRCh37 (hg19) VCF-style: chr17-48435605-G-A.
Other names: short protein forms R660Q.
Identifiers: ClinVar variation 3351712 (VCV003351712.2).

ClinVar aggregate classification (germline): Uncertain significance. Review status: criteria provided, single submitter (1 of 4 stars). 2 submissions from 2 submitters: Uncertain significance (1). 1 of the submissions does not count toward it. Last evaluated 2024-07-31.

Conditions:
XYLT2-related disorder. Also called: XYLT2-related condition.
Inborn genetic diseases. Identifiers: MedGen C0950123, MeSH D030342.

gnomAD v4.1: 18 of 1,610,640 alleles (0.0011%); highest among the groups gnomAD compares: Non-Finnish European, 0.0014%; no homozygotes.

Submissions (2):

Ambry Genetics
Classification: Uncertain significance for Inborn genetic diseases. Last evaluated: 2024-07-31. Review status: criteria provided, single submitter. Criteria: Ambry Variant Classification Scheme 2023. Collection method: clinical testing. Allele origin: germline.

PreventionGenetics, part of Exact Sciences
Classification: Uncertain significance for XYLT2-related condition. Last evaluated: 2024-06-18. Review status: no assertion criteria provided. Collection method: clinical testing. Allele origin: germline. Not counted in ClinVar's aggregate classification.
Comment: The XYLT2 c.1979G>A variant is predicted to result in the amino acid substitution p.Arg660Gln. To our knowledge, this variant has not been reported in the literature. This variant is reported in 0.0027% of alleles in individuals of European (Non-Finnish) descent in gnomAD. At this time, the clinical significance of this variant is uncertain due to the absence of conclusive functional and genetic evidence.